The following is an entry in ClinVar:

NM_199242.3(UNC13D):c.455G>T (p.Gly152Val)

Gene: UNC13D (unc-13 homolog D; minus strand). Cytogenetic location: 17q25.1.
Variant type: single nucleotide variant.
Coding change: c.455G>T on transcript NM_199242.3 (MANE Select); coding-DNA position 455, G replaced by T.
Protein change: p.Gly152Val; replaces glycine 152 with valine.
Molecular consequence: missense variant.
Genome position (GRCh38, 1-based): chr17:75,842,547, C>A on the plus strand (G>T on the coding strand, the complement: UNC13D is on the minus strand). VCF-style: chr17-75842547-C-A. GRCh37 (hg19) VCF-style: chr17-73838628-C-A.
Other names: short protein forms G152V.
Identifiers: ClinVar variation 933291 (VCV000933291.8), dbSNP rs774159498, ClinGen allele CA401114380.
Genomic context (GRCh38, chr17:75,842,547, plus strand): 5'-CGGTGGGTCTCCTCCTCGGGGATGGTGTGCCTCACCACAGCCTTCTGCCGATGCCGGGAC[C>A]CGGGGCTGCCCCCTGGCACACCTACCCCCTGCTCAATGCCCAGCAGGCAGTAGGGGTCGC-3'
Protein context (NP_954712.1, residues 142-162): QGVGVPGGSP[Gly152Val]SRHRQKAVVR

ClinVar aggregate classification (germline): Uncertain significance (1 of 4 stars; one submission).

Conditions:
Familial hemophagocytic lymphohistiocytosis 3 (FHL3). Also called: UNC13D-Related Familial Hemophagocytic Lymphohistiocytosis (UNC13D-fHLH). Identifiers: Orphanet 540, MedGen C1837174, MONDO:0012146, OMIM 608898.

Submission:

Labcorp Genetics (formerly Invitae), Labcorp
Classification: Uncertain significance for Familial hemophagocytic lymphohistiocytosis 3. Last evaluated: 2026-01-05. Review status: criteria provided, single submitter. Criteria: Invitae Variant Classification Sherloc (09022015). Collection method: clinical testing. Allele origin: germline.
Comment: This sequence change replaces glycine, which is neutral and non-polar, with valine, which is neutral and non-polar, at codon 152 of the UNC13D protein (p.Gly152Val). This variant is not present in population databases (gnomAD no frequency). This variant has not been reported in the literature in individuals affected with UNC13D-related conditions. ClinVar contains an entry for this variant (Variation ID: 933291). An algorithm developed to predict the effect of missense changes on protein structure and function outputs the following: PolyPhen-2: "Benign". The valine amino acid residue is found in multiple mammalian species, which suggests that this missense change does not adversely affect protein function. In summary, the available evidence is currently insufficient to determine the role of this variant in disease. Therefore, it has been classified as a Variant of Uncertain Significance.